The following is an entry in ClinVar:

ClinVar aggregate classification (germline): Uncertain significance (1 of 4 stars; one submission).

Conditions:
Hemochromatosis type 2A (HFE2A). Also called: HJV (HFE2)-Related Juvenile Hemochromatosis; Adult-Onset Hemochromatosis. Identifiers: Orphanet 79230, MedGen C1865614, MONDO:0011216, OMIM 602390.

Allele frequency attached by ClinVar (database versions not stated): TOPMed below 0.00001; gnomAD 0.00001; gnomAD exomes 0.00001.
gnomAD v4.1: 24 of 1,613,994 alleles (0.0015%); highest among the groups gnomAD compares: Non-Finnish European, 0.0017%; no homozygotes.

Submission:

Victorian Clinical Genetics Services, Murdoch Childrens Research Institute
Classification: Uncertain significance for Hemochromatosis type 2A. Last evaluated: 2020-10-19. Review status: criteria provided, single submitter. Criteria: ACMG Guidelines, 2015. Collection method: clinical testing. Allele origin: germline. Inheritance: Autosomal recessive inheritance.
Comment: Based on the classification scheme VCGS_Germline_v1.3.3, this variant is classified as 3B-VUS. Following criteria are met: 0102 - Loss of function is a known mechanism of disease in this gene and is associated with haemachromatosis type 2A ((MIM#602390). (I) 0106 - This gene is associated with autosomal recessive disease. (I) 0200 - Variant is predicted to result in a missense amino acid change from serine to threonine. (I) 0219 - This variant is non-coding in alternative transcripts. This variant is intronic in two of four alternative transcripts, but multiple pathogenic variants have been reported in this exon, confirming its biological relevance (ClinVar). (I) 0251 - This variant is heterozygous. (I) 0304 - Variant is present in gnomAD (v2) <0.01 for a recessive condition (1 heterozygote, 0 homozygotes). (SP) 0502 - Missense variant with conflicting in silico predictions and uninformative conservation. (I) 0600 - Variant is located in the annotated partial von Willebrand factor type D domain (PMID: 14647275). (I) 0704 - Another missense variant comparable to the one identified in this case has limited previous evidence for pathogenicity. 1 family affected by haemachromatosis type 2 has been reported with the comparable variant p.(Ser205Arg) in a compound heterozygous state with the variant p.(Gly250Val). (PMID: 14982873). (SP) 0807 - This variant has no previous evidence of pathogenicity. (I) 0905 - No published segregation evidence has been identified for this variant. (I) 1007 - No published functional evidence has been identified for this variant. (I) 1208 - Inheritance information for this variant is not currently available in this individual. (I) Legend: (SP) - Supporting pathogenic, (I) - Information, (SB) - Supporting benign

Literature cited by the submitters: PubMed 14647275; PubMed 14982873.

NM_213653.4(HJV):c.614G>C (p.Ser205Thr)

Gene: HJV (hemojuvelin BMP co-receptor; minus strand). Cytogenetic location: 1q21.1.
Variant type: single nucleotide variant.
Coding change: c.614G>C on transcript NM_213653.4 (MANE Select); coding-DNA position 614, G replaced by C.
Protein change: p.Ser205Thr; replaces serine 205 with threonine.
Molecular consequence: missense variant. On other transcripts: intron variant (3).
Genome position (GRCh38, 1-based): chr1:146,019,218, C>G on the plus strand (G>C on the coding strand, the complement: HJV is on the minus strand). VCF-style: chr1-146019218-C-G. GRCh37 (hg19) VCF-style: chr1-145415795-G-C.
Other names: c.614G>C, p.Ser205Thr (NM_001379352.1); c.275G>C, p.Ser92Thr (NM_145277.5); c.-21-518G>C (NM_213652.4); c.-22+480G>C (NM_202004.4, NM_001316767.2); short protein forms S205T, S92T.
Identifiers: ClinVar variation 1806075 (VCV001806075.1), dbSNP rs200388465, ClinGen allele CA29824504.